The following is an entry in ClinVar:

NM_003742.4(ABCB11):c.3056G>A (p.Arg1019Lys)

Gene: ABCB11 (ATP binding cassette subfamily B member 11; minus strand). Cytogenetic location: 2q31.1.
Variant type: single nucleotide variant.
Coding change: c.3056G>A on transcript NM_003742.4 (MANE Select); coding-DNA position 3056, G replaced by A.
Protein change: p.Arg1019Lys; replaces arginine 1019 with lysine.
Molecular consequence: missense variant.
Genome position (GRCh38, 1-based): chr2:168,935,184, C>T on the plus strand (G>A on the coding strand, the complement: ABCB11 is on the minus strand). VCF-style: chr2-168935184-C-T. GRCh37 (hg19) VCF-style: chr2-169791694-C-T.
Other names: short protein forms R1019K.
Identifiers: ClinVar variation 4846142 (VCV004846142.1).

ClinVar aggregate classification (germline): Uncertain significance (1 of 4 stars; one submission).

Conditions:
Familial intrahepatic cholestasis. Identifiers: Orphanet 284385, MedGen CN296401, MONDO:0017290.

Submission:

Genomenon, Inc
Classification: Uncertain significance for Familial intrahepatic cholestasis. Last evaluated: 2026-04-14. Review status: criteria provided, single submitter. Criteria: Genomenon Sequence Variant Interpretation Standards - Updated. Collection method: curation. Allele origin: germline. Affected: yes.
Comment: ABCB11 p.Arg1019Lys (c.3056G>A) is a missense variant that changes the amino acid at residue 1019 from Arginine to Lysine. This variant has been observed in at least one proband with an ABCB11-related disorder (PMID:32087350). It is absent or not present at a significant frequency in gnomAD. In silico models predict that this variant is possibly or probably damaging. In conclusion, we classify ABCB11 p.Arg1019Lys (c.3056G>A) as a variant of uncertain significance.

Literature cited by the submitters: PubMed 32087350.